The following is an entry in ClinVar:

ClinVar aggregate classification (germline): Uncertain significance (1 of 4 stars; one submission).

Conditions:
Cardiovascular phenotype. Identifiers: MedGen CN230736.
Hereditary cancer-predisposing syndrome. Also called: Tumor predisposition; Neoplastic Syndromes, Hereditary; Hereditary Cancer Syndrome; Hereditary neoplastic syndrome. Identifiers: Orphanet 140162, MedGen C0027672, MeSH D009386, MONDO:0015356.

Submission:

Ambry Genetics
Classification: Uncertain significance for Cardiovascular phenotype; Hereditary cancer-predisposing syndrome. Last evaluated: 2025-01-10. Review status: criteria provided, single submitter. Criteria: Ambry Variant Classification Scheme 2023. Collection method: clinical testing. Allele origin: germline.
Comment: The p.N339Y variant (also known as c.1015A>T), located in coding exon 9 of the NF1 gene, results from an A to T substitution at nucleotide position 1015. The asparagine at codon 339 is replaced by tyrosine, an amino acid with dissimilar properties. This amino acid position is well conserved in available vertebrate species. In addition, the in silico prediction for this alteration is inconclusive. Based on the available evidence, the clinical significance of this variant remains unclear.

NM_001042492.3(NF1):c.1015A>T (p.Asn339Tyr)

Gene: NF1 (neurofibromin 1; plus strand). Cytogenetic location: 17q11.2.
Variant type: single nucleotide variant.
Coding change: c.1015A>T on transcript NM_001042492.3 (MANE Select); coding-DNA position 1015, A replaced by T.
Protein change: p.Asn339Tyr; replaces asparagine 339 with tyrosine.
Molecular consequence: missense variant.
Genome position (GRCh38, 1-based): chr17:31,200,548, A>T. VCF-style: chr17-31200548-A-T. GRCh37 (hg19) VCF-style: chr17-29527566-A-T.
Other names: c.1015A>T, p.Asn339Tyr (NM_000267.4, NM_001128147.3); short protein forms N339Y.
Identifiers: ClinVar variation 3879018 (VCV003879018.1).